The following is an entry in ClinVar:

ClinVar aggregate classification (germline): Uncertain significance (1 of 4 stars; one submission).

Conditions:
Inborn genetic diseases. Identifiers: MedGen C0950123, MeSH D030342.

Allele frequency attached by ClinVar (database versions not stated): TOPMed 0.00001; gnomAD 0.00003.

Submission:

Ambry Genetics
Classification: Uncertain significance for Inborn genetic diseases. Last evaluated: 2017-05-03. Review status: criteria provided, single submitter. Criteria: Ambry Variant Classification Scheme 2023. Collection method: clinical testing. Allele origin: germline.
Comment: The p.E742D variant (also known as c.2226G>C), located in coding exon 19 of the KCNT1 gene, results from a G to C substitution at nucleotide position 2226. The glutamic acid at codon 742 is replaced by aspartic acid, an amino acid with highly similar properties. This amino acid position is highly conserved in available vertebrate species. In addition, this alteration is predicted to be tolerated by in silico analysis. Since supporting evidence is limited at this time, the clinical significance of this alteration remains unclear.

NM_020822.3(KCNT1):c.2226G>C (p.Glu742Asp)

Gene: KCNT1 (potassium sodium-activated channel subfamily T member 1; plus strand). Cytogenetic location: 9q34.3.
Variant type: single nucleotide variant.
Coding change: c.2226G>C on transcript NM_020822.3 (MANE Select); coding-DNA position 2226, G replaced by C.
Protein change: p.Glu742Asp; replaces glutamic acid 742 with aspartic acid.
Molecular consequence: missense variant.
Genome position (GRCh38, 1-based): chr9:135,772,932, G>C. VCF-style: chr9-135772932-G-C. GRCh37 (hg19) VCF-style: chr9-138664778-G-C.
Other names: c.2091G>C, p.Glu697Asp (NM_001272003.2); short protein forms E742D, E697D.
Identifiers: ClinVar variation 590174 (VCV000590174.5), dbSNP rs754932579, ClinGen allele CA375511227.